The following is an entry in ClinVar:

ClinVar aggregate classification (germline): Uncertain significance (1 of 4 stars; one submission).

Allele frequency attached by ClinVar (database versions not stated): gnomAD exomes below 0.00001; TOPMed below 0.00001; ExAC 0.00001.

Submission:

Ambry Genetics
Classification: Uncertain significance. Last evaluated: 2024-10-05. Review status: criteria provided, single submitter. Criteria: Ambry Variant Classification Scheme 2023. Collection method: clinical testing. Allele origin: germline.
Comment: The p.I996V variant (also known as c.2986A>G), located in coding exon 16 of the POLQ gene, results from an A to G substitution at nucleotide position 2986. The isoleucine at codon 996 is replaced by valine, an amino acid with highly similar properties. This amino acid position is conserved. In addition, this alteration is predicted to be tolerated by in silico analysis. Since supporting evidence is limited at this time, the clinical significance of this alteration remains unclear.

NM_199420.4(POLQ):c.2986A>G (p.Ile996Val)

Gene: POLQ (DNA polymerase theta; minus strand). Cytogenetic location: 3q13.33.
Variant type: single nucleotide variant.
Coding change: c.2986A>G on transcript NM_199420.4 (MANE Select); coding-DNA position 2986, A replaced by G.
Protein change: p.Ile996Val; replaces isoleucine 996 with valine.
Molecular consequence: missense variant.
Genome position (GRCh38, 1-based): chr3:121,489,945, T>C on the plus strand (A>G on the coding strand, the complement: POLQ is on the minus strand). VCF-style: chr3-121489945-T-C. GRCh37 (hg19) VCF-style: chr3-121208792-T-C.
Other names: short protein forms I996V.
Identifiers: ClinVar variation 1798440 (VCV001798440.3), dbSNP rs750252709, ClinGen allele CA2563148.
Genomic context (GRCh38, chr3:121,489,945, plus strand): 5'-CAACTTTCTTATCACTTGTTTTCCCCTCATTCTGAGAGGCTCCTGGCTTCTCTTTATTTA[T>C]ATCTAAAGAGGCCCGTTTTCTTGCTCTGAAAATGGAACATGTCTGATGTTCTTGATTCCC-3'
Protein context (NP_955452.3, residues 986-1006): FRARKRASLD[Ile996Val]NKEKPGASQN